The following is an entry in ClinVar:

ClinVar aggregate classification (germline): Uncertain significance (0 of 4 stars; one submission).

Conditions:
ALMS1-related disorder. Also called: ALMS1-related condition.

Submission:

PreventionGenetics, part of Exact Sciences
Classification: Uncertain significance for ALMS1-related condition. Last evaluated: 2024-04-30. Review status: no assertion criteria provided. Collection method: clinical testing. Allele origin: germline.
Comment: The ALMS1 c.5081C>T variant is predicted to result in the amino acid substitution p.Pro1694Leu. To our knowledge, this variant has not been reported in the literature. This variant is reported in 0.0027% of alleles in individuals of European (Non-Finnish) descent in gnomAD. At this time, the clinical significance of this variant is uncertain due to the absence of conclusive functional and genetic evidence.

NM_001378454.1(ALMS1):c.5078C>T (p.Pro1693Leu)

Gene: ALMS1 (ALMS1 centrosome and basal body associated protein; plus strand). Cytogenetic location: 2p13.1.
Variant type: single nucleotide variant.
Coding change: c.5078C>T on transcript NM_001378454.1 (MANE Select); coding-DNA position 5078, C replaced by T.
Protein change: p.Pro1693Leu; replaces proline 1693 with leucine.
Molecular consequence: missense variant.
Genome position (GRCh38, 1-based): chr2:73,451,605, C>T. VCF-style: chr2-73451605-C-T. GRCh37 (hg19) VCF-style: chr2-73678732-C-T.
Other names: c.5081C>T, p.Pro1694Leu (NM_015120.4); short protein forms P1693L, P1694L.
Identifiers: ClinVar variation 3356614 (VCV003356614.1).